The following is an entry in ClinVar:

ClinVar aggregate classification (germline): Uncertain significance. Review status: criteria provided, multiple submitters, no conflicts (2 of 4 stars). 3 submissions from 3 submitters: Uncertain significance (3). Last evaluated 2025-10-13.

Conditions:
POLD1-related polyposis and colorectal cancer syndrome (CRCS10). Also called: Colorectal cancer 10; COLORECTAL CANCER, SUSCEPTIBILITY TO, ON CHROMOSOME 19q; Colorectal cancer, susceptibility to, 10. Identifiers: Orphanet 220460, MedGen C2675481, MONDO:0012953, OMIM 612591.
Hereditary cancer-predisposing syndrome. Also called: Tumor predisposition; Hereditary Cancer Syndrome; Hereditary neoplastic syndrome; Neoplastic Syndromes, Hereditary. Identifiers: Orphanet 140162, MedGen C0027672, MeSH D009386, MONDO:0015356.

Allele frequency attached by ClinVar (database versions not stated): gnomAD exomes below 0.00001; TOPMed below 0.00001; 1000 Genomes Project 30x 0.00016.
gnomAD v4.1: 4 of 1,612,556 alleles (0.00025%); highest among the groups gnomAD compares: African/African-American, 0.0013%; no homozygotes.

Submissions (3):

Labcorp Genetics (formerly Invitae), Labcorp
Classification: Uncertain significance for POLD1-related polyposis and colorectal cancer syndrome. Last evaluated: 2025-10-13. Review status: criteria provided, single submitter. Criteria: Invitae Variant Classification Sherloc (09022015). Collection method: clinical testing. Allele origin: germline.
Comment: This sequence change replaces glutamic acid, which is acidic and polar, with lysine, which is basic and polar, at codon 579 of the POLD1 protein (p.Glu579Lys). This variant is present in population databases (no rsID available, gnomAD 0.007%). This variant has not been reported in the literature in individuals affected with POLD1-related conditions. ClinVar contains an entry for this variant (Variation ID: 505438). Invitae Evidence Modeling of protein sequence and biophysical properties (such as structural, functional, and spatial information, amino acid conservation, physicochemical variation, residue mobility, and thermodynamic stability) indicates that this missense variant is not expected to disrupt POLD1 protein function with a negative predictive value of 80%. In summary, the available evidence is currently insufficient to determine the role of this variant in disease. Therefore, it has been classified as a Variant of Uncertain Significance.

Ambry Genetics
Classification: Uncertain significance for Hereditary cancer-predisposing syndrome. Last evaluated: 2025-06-21. Review status: criteria provided, single submitter. Criteria: Ambry Variant Classification Scheme 2023. Collection method: clinical testing. Allele origin: germline.
Comment: The p.E579K variant (also known as c.1735G>A), located in coding exon 13 of the POLD1 gene, results from a G to A substitution at nucleotide position 1735. The glutamic acid at codon 579 is replaced by lysine, an amino acid with similar properties. This amino acid position is conserved. In addition, the in silico prediction for this alteration is inconclusive. Since supporting evidence is limited at this time, the clinical significance of this alteration remains unclear.

Laboratory for Molecular Medicine, Mass General Brigham Personalized Medicine
Classification: Uncertain significance. Last evaluated: 2016-11-23. Review status: criteria provided, single submitter. Criteria: LMM Criteria. Collection method: clinical testing. Allele origin: germline. Observed: 1 variant allele.
Comment: The p.Glu579Lys variant in POLD1 has not been previously reported in individuals with colorectal cancer or in large population studies. Computational prediction tools and conservation analysis do not provide strong support for or against an impact to the protein. In summary, the clinical significance of the p.Glu579Lys variant is uncertain.

NM_002691.4(POLD1):c.1735G>A (p.Glu579Lys)

Gene: POLD1 (DNA polymerase delta 1, catalytic subunit; plus strand). Cytogenetic location: 19q13.33.
Variant type: single nucleotide variant.
Coding change: c.1735G>A on transcript NM_002691.4 (MANE Select); coding-DNA position 1735, G replaced by A.
Protein change: p.Glu579Lys; replaces glutamic acid 579 with lysine.
Molecular consequence: missense variant. On other transcripts: non-coding transcript variant (1).
Genome position (GRCh38, 1-based): chr19:50,407,375, G>A. VCF-style: chr19-50407375-G-A. GRCh37 (hg19) VCF-style: chr19-50910632-G-A.
Other names: c.1735G>A, p.Glu579Lys (NM_001256849.1, NM_001308632.1); short protein forms E579K.
Identifiers: ClinVar variation 505438 (VCV000505438.17), dbSNP rs1354117345, ClinGen allele CA406981264.